The following is an entry in ClinVar:

NM_015178.3(RHOBTB2):c.234C>G (p.Val78=)

Gene: RHOBTB2 (Rho related BTB domain containing 2; plus strand). Cytogenetic location: 8p21.3.
Variant type: single nucleotide variant.
Coding change: c.234C>G on transcript NM_015178.3 (MANE Select); coding-DNA position 234, C replaced by G.
Protein change: p.Val78=; no amino-acid change (valine 78 retained).
Molecular consequence: synonymous variant.
Genome position (GRCh38, 1-based): chr8:23,005,413, C>G. VCF-style: chr8-23005413-C-G. GRCh37 (hg19) VCF-style: chr8-22862926-C-G.
Other names: c.300C>G, p.Val100= (NM_001160036.2); c.255C>G, p.Val85= (NM_001160037.2); c.234C>G, p.Val78= (NM_001374791.1).
Identifiers: ClinVar variation 740838 (VCV000740838.9), dbSNP rs765910930, ClinGen allele CA4672411.

ClinVar aggregate classification (germline): Likely benign. Review status: criteria provided, multiple submitters, no conflicts (2 of 4 stars). 2 submissions from 2 submitters: Likely benign (2). Last evaluated 2026-05-01.

Allele frequency attached by ClinVar (database versions not stated): ExAC 0.00001; gnomAD exomes 0.00001; gnomAD 0.00007 and 0.00008; TOPMed 0.00015.
gnomAD v4.1: 22 of 1,613,972 alleles (0.0014%); highest among the groups gnomAD compares: Admixed American, 0.033%; no homozygotes.

Submissions (2):

CeGaT Center for Human Genetics Tuebingen
Classification: Likely benign. Last evaluated: 2026-05-01. Review status: criteria provided, single submitter. Criteria: CeGaT Center For Human Genetics Tuebingen Variant Classification Criteria Version 2. Collection method: clinical testing. Allele origin: germline. Affected: yes. Observed: 1 variant allele.
Comment: RHOBTB2: BP4, BP7

Labcorp Genetics (formerly Invitae), Labcorp
Classification: Likely benign. Last evaluated: 2026-01-22. Review status: criteria provided, single submitter. Criteria: Invitae Variant Classification Sherloc (09022015). Collection method: clinical testing. Allele origin: germline.